The following is an entry in ClinVar:

NM_006514.4(SCN10A):c.2231T>C (p.Leu744Pro)

Gene: SCN10A (sodium voltage-gated channel alpha subunit 10; minus strand). Cytogenetic location: 3p22.2.
Variant type: single nucleotide variant.
Coding change: c.2231T>C on transcript NM_006514.4 (MANE Select); coding-DNA position 2231, T replaced by C.
Protein change: p.Leu744Pro; replaces leucine 744 with proline.
Molecular consequence: missense variant.
Genome position (GRCh38, 1-based): chr3:38,739,564, A>G on the plus strand (T>C on the coding strand, the complement: SCN10A is on the minus strand). VCF-style: chr3-38739564-A-G. GRCh37 (hg19) VCF-style: chr3-38781055-A-G.
Other names: c.2231T>C, p.Leu744Pro (NM_001293306.2); c.1937T>C, p.Leu646Pro (NM_001293307.2); short protein forms L744P, L646P.
Identifiers: ClinVar variation 3950852 (VCV003950852.1).

ClinVar aggregate classification (germline): Uncertain significance (1 of 4 stars; one submission).

Conditions:
Cardiovascular phenotype. Identifiers: MedGen CN230736.

gnomAD v4.1: 2 of 1,614,216 alleles (0.00012%); highest among the groups gnomAD compares: East Asian, 0.0022%; no homozygotes.

Submission:

Ambry Genetics
Classification: Uncertain significance for Cardiovascular phenotype. Last evaluated: 2025-03-23. Review status: criteria provided, single submitter. Criteria: Ambry Variant Classification Scheme 2023. Collection method: clinical testing. Allele origin: germline.
Comment: The p.L744P variant (also known as c.2231T>C), located in coding exon 14 of the SCN10A gene, results from a T to C substitution at nucleotide position 2231. The leucine at codon 744 is replaced by proline, an amino acid with similar properties. This amino acid position is conserved. In addition, this alteration is predicted to be deleterious by in silico analysis. Based on the available evidence, the clinical significance of this variant remains unclear.